The following is an entry in ClinVar:

NM_000551.4(VHL):c.429C>G (p.Asp143Glu)

Genes: VHL (von Hippel-Lindau tumor suppressor; plus strand), LOC107303340 (3p25 von Hippel-Lindau tumor suppressor, E3 ubiquitin protein ligase Alu-mediated recombination region; plus strand). Cytogenetic location: 3p25.3.
Variant type: single nucleotide variant.
Coding change: c.429C>G on transcript NM_000551.4 (MANE Select); coding-DNA position 429, C replaced by G.
Protein change: p.Asp143Glu; replaces aspartic acid 143 with glutamic acid.
Molecular consequence: missense variant. On other transcripts: intron variant (2).
Genome position (GRCh38, 1-based): chr3:10,146,602, C>G. VCF-style: chr3-10146602-C-G. GRCh37 (hg19) VCF-style: chr3-10188286-C-G.
Other names: c.*18-3185C>G (NM_001354723.2); c.341-3185C>G (NM_198156.3); short protein forms D143E.
Identifiers: ClinVar variation 625247 (VCV000625247.3), dbSNP rs773556807, ClinGen allele CA351754191.

ClinVar aggregate classification (germline): Conflicting classifications of pathogenicity. Review status: criteria provided, conflicting classifications (1 of 4 stars). 3 submissions from 3 submitters: Likely pathogenic (1); Uncertain significance (2). Last evaluated 2025-07-08.

Conditions:
Von Hippel-Lindau syndrome (VHLS). Also called: von Hippel–Lindau syndrome; Von Hippel-Lindau; VHL syndrome. Identifiers: Orphanet 892, MedGen C0019562, MONDO:0008667, OMIM 193300. Disease mechanism: loss of function.
Chuvash polycythemia. Also called: POLYCYTHEMIA, VHL-DEPENDENT. Identifiers: Orphanet 238557, MedGen C1837915, MONDO:0009892, OMIM 263400.
Hereditary cancer-predisposing syndrome. Also called: Tumor predisposition; Neoplastic Syndromes, Hereditary; Hereditary Cancer Syndrome; Hereditary neoplastic syndrome. Identifiers: Orphanet 140162, MedGen C0027672, MeSH D009386, MONDO:0015356.

Submissions (3):

Labcorp Genetics (formerly Invitae), Labcorp
Classification: Uncertain significance for Von Hippel-Lindau syndrome; Chuvash polycythemia. Last evaluated: 2025-07-08. Review status: criteria provided, single submitter. Criteria: Invitae Variant Classification Sherloc (09022015). Collection method: clinical testing. Allele origin: germline.
Comment: This sequence change replaces aspartic acid, which is acidic and polar, with glutamic acid, which is acidic and polar, at codon 143 of the VHL protein (p.Asp143Glu). This variant is not present in population databases (gnomAD no frequency). This missense change has been observed in individual(s) with von Hippel-Lindau syndrome (internal data). ClinVar contains an entry for this variant (Variation ID: 625247). Invitae Evidence Modeling of protein sequence and biophysical properties (such as structural, functional, and spatial information, amino acid conservation, physicochemical variation, residue mobility, and thermodynamic stability) has been performed for this missense variant. However, the output from this modeling did not meet the statistical confidence thresholds required to predict the impact of this variant on VHL protein function. Algorithms developed to predict the effect of sequence changes on RNA splicing suggest that this variant may disrupt the consensus splice site. In summary, the available evidence is currently insufficient to determine the role of this variant in disease. Therefore, it has been classified as a Variant of Uncertain Significance.

Ambry Genetics
Classification: Likely pathogenic for Hereditary cancer-predisposing syndrome. Last evaluated: 2024-12-30. Review status: criteria provided, single submitter. Criteria: Ambry Variant Classification Scheme 2023. Collection method: clinical testing. Allele origin: germline.
Comment: The c.429C>G variant (also known as p.D143E), located in coding exon 2 of the VHL gene, results from a C to G substitution at nucleotide position 429. The aspartic acid at codon 143 is replaced by glutamic acid, an amino acid with highly similar properties. This nucleotide position is not well conserved in available vertebrate species. In silico splice site analysis predicts that this alteration may weaken the native splice donor site. RNA studies have demonstrated that this alteration results in abnormal splicing in the set of samples tested (Ambry internal data). This variant is considered to be rare based on population cohorts in the Genome Aggregation Database (gnomAD). Based on the majority of available evidence to date, this variant is likely to be pathogenic.

Genomic Diagnostic Laboratory, Division of Genomic Diagnostics, Children's Hospital of Philadelphia
Classification: Uncertain significance for von Hippel-Lindau syndrome. Last evaluated: 2018-08-01. Review status: criteria provided, single submitter. Criteria: DGD Variant Analysis Guidelines. Collection method: clinical testing. Allele origin: germline. Affected: yes. Observed: 1 variant allele.